The following is an entry in ClinVar:

ClinVar aggregate classification (germline): Benign (1 of 4 stars; one submission).

Allele frequency attached by ClinVar (database versions not stated): 1000 Genomes Project 0.12720; 1000 Genomes Project 30x 0.12726; gnomAD 0.13248 and 0.13412; TOPMed 0.13261.
gnomAD v4.1: 20,387 of 152,100 alleles (13%); highest among the groups gnomAD compares: South Asian, 18%; 1,440 homozygotes.

Submission:

GeneDx
Classification: Benign. Last evaluated: 2018-06-14. Review status: criteria provided, single submitter. Criteria: GeneDx Variant Classification (06012015). Collection method: clinical testing. Allele origin: germline. Affected: yes.
Comment: This variant is considered likely benign or benign based on one or more of the following criteria: it is a conservative change, it occurs at a poorly conserved position in the protein, it is predicted to be benign by multiple in silico algorithms, and/or has population frequency not consistent with disease.

NM_018060.4(IARS2):c.2897-294A>G

Gene: IARS2 (isoleucyl-tRNA synthetase 2, mitochondrial; plus strand). Cytogenetic location: 1q41.
Variant type: single nucleotide variant.
Coding change: c.2897-294A>G on transcript NM_018060.4 (MANE Select); 294 bases into the intron before coding-DNA position 2897, A replaced by G.
Molecular consequence: intron variant.
Genome position (GRCh38, 1-based): chr1:220,147,199, A>G. VCF-style: chr1-220147199-A-G. GRCh37 (hg19) VCF-style: chr1-220320541-A-G.
Identifiers: ClinVar variation 680616 (VCV000680616.1), dbSNP rs59914129, ClinGen allele CA10824426.